The following is an entry in ClinVar:

ClinVar aggregate classification (germline): Uncertain significance (1 of 4 stars; one submission).

Conditions:
Inborn genetic diseases. Identifiers: MedGen C0950123, MeSH D030342.

Submission:

Ambry Genetics
Classification: Uncertain significance for Inborn genetic diseases. Last evaluated: 2025-02-05. Review status: criteria provided, single submitter. Criteria: Ambry Variant Classification Scheme 2023. Collection method: clinical testing. Allele origin: germline.
Comment: The p.D1066H variant (also known as c.3196G>C), located in coding exon 1 of the SAMD9L gene, results from a G to C substitution at nucleotide position 3196. The aspartic acid at codon 1066 is replaced by histidine, an amino acid with similar properties. This amino acid position is conserved. In addition, this alteration is predicted to be tolerated by in silico analysis. Based on the available evidence, the clinical significance of this variant remains unclear.

NM_152703.5(SAMD9L):c.3196G>C (p.Asp1066His)

Gene: SAMD9L (sterile alpha motif domain containing 9 like; minus strand). Cytogenetic location: 7q21.2.
Variant type: single nucleotide variant.
Coding change: c.3196G>C on transcript NM_152703.5 (MANE Select); coding-DNA position 3196, G replaced by C.
Protein change: p.Asp1066His; replaces aspartic acid 1066 with histidine.
Molecular consequence: missense variant.
Genome position (GRCh38, 1-based): chr7:93,132,776, C>G on the plus strand (G>C on the coding strand, the complement: SAMD9L is on the minus strand). VCF-style: chr7-93132776-C-G. GRCh37 (hg19) VCF-style: chr7-92762089-C-G.
Other names: c.3196G>C, p.Asp1066His (NM_001303496.3, NM_001303497.3, NM_001303498.3 and 5 more transcripts); short protein forms D1066H.
Identifiers: ClinVar variation 3792394 (VCV003792394.1).
Genomic context (GRCh38, chr7:93,132,776, plus strand): 5'-GACAAATGAATGCATTTTGTGGGAATCGTCTACTTCCTGCACTCAAGACCTTTTCAATGT[C>G]TTTATTCTGTAAAGCTTCCATTAATGGGGAAAACAGAGTGTCTGTTTCATCTCCATACAC-3'
Protein context (NP_689916.2, residues 1056-1076): SPLMEALQNK[Asp1066His]IEKVLSAGSR